The following is an entry in ClinVar:

ClinVar aggregate classification (germline): Likely benign (1 of 4 stars; one submission).

Conditions:
Nephronophthisis-like nephropathy 1 (NPHPL1). Identifiers: Orphanet 655, MedGen C3150419, MONDO:0013163, OMIM 613159.

Allele frequency attached by ClinVar (database versions not stated): gnomAD 0.00231 and 0.00243; TOPMed 0.00262; 1000 Genomes Project 0.00300; 1000 Genomes Project 30x 0.00359.

Submission:

Illumina Laboratory Services, Illumina
Classification: Likely benign for Nephronophthisis-like nephropathy 1. Last evaluated: 2018-01-13. Review status: criteria provided, single submitter. Criteria: ICSL Variant Classification Criteria 13 December 2019. Collection method: clinical testing. Allele origin: germline.
Comment: This variant was observed in the ICSL laboratory as part of a predisposition screen in an ostensibly healthy population. It had not been previously curated by ICSL or reported in the Human Gene Mutation Database (HGMD: prior to June 1st, 2018), and was therefore a candidate for classification through an automated scoring system. Utilizing variant allele frequency, disease prevalence and penetrance estimates, and inheritance mode, an automated score was calculated to assess if this variant is too frequent to cause the disease. Based on the score and internal cut-off values, a variant classified as likely benign is not then subjected to further curation. The score for this variant resulted in a classification of likely benign for this disease.

NM_022098.4(XPNPEP3):c.*5445G>A

Gene: XPNPEP3 (X-prolyl aminopeptidase 3; plus strand). Cytogenetic location: 22q13.2.
Variant type: single nucleotide variant.
Coding change: c.*5445G>A on transcript NM_022098.4 (MANE Select); 5445 bases downstream of the stop codon, G replaced by A.
Molecular consequence: 3 prime UTR variant.
Genome position (GRCh38, 1-based): chr22:40,931,880, G>A. VCF-style: chr22-40931880-G-A. GRCh37 (hg19) VCF-style: chr22-41327884-G-A.
Identifiers: ClinVar variation 901364 (VCV000901364.4), dbSNP rs150740494, ClinGen allele CA324455618.